The following is an entry in ClinVar:

ClinVar aggregate classification (germline): Uncertain significance (1 of 4 stars; one submission).

Submission:

Women's Health and Genetics/Laboratory Corporation of America, LabCorp
Classification: Uncertain significance. Last evaluated: 2025-11-12. Review status: criteria provided, single submitter. Criteria: LabCorp Variant Classification Summary - May 2015. Collection method: clinical testing. Allele origin: germline.
Comment: Variant summary: GLI2 c.2134C>T (p.Pro712Ser) results in a non-conservative amino acid change in the encoded protein sequence. Algorithms developed to predict the effect of missense changes on protein structure and function are either unavailable or do not agree on the potential impact of this missense change. The variant was absent in 250702 control chromosomes. The available data on variant occurrences in the general population are insufficient to allow any conclusion about variant significance. To our knowledge, no occurrence of c.2134C>T in individuals affected with GLI2-related conditions and no experimental evidence demonstrating its impact on protein function have been reported. No submitters have cited clinical-significance assessments for this variant to ClinVar. Based on the evidence outlined above, the variant was classified as uncertain significance.

NM_001374353.1(GLI2):c.2083C>T (p.Pro695Ser)

Gene: GLI2 (GLI family zinc finger 2; plus strand). Cytogenetic location: 2q14.2.
Variant type: single nucleotide variant.
Coding change: c.2083C>T on transcript NM_001374353.1 (MANE Select); coding-DNA position 2083, C replaced by T.
Protein change: p.Pro695Ser; replaces proline 695 with serine.
Molecular consequence: missense variant.
Genome position (GRCh38, 1-based): chr2:120,986,455, C>T. VCF-style: chr2-120986455-C-T. GRCh37 (hg19) VCF-style: chr2-121744031-C-T.
Other names: c.2134C>T, p.Pro712Ser (NM_001371271.1, NM_005270.5); c.1708C>T, p.Pro570Ser (NM_001374354.1); short protein forms P570S, P695S, P712S.
Identifiers: ClinVar variation 4536799 (VCV004536799.1).
Genomic context (GRCh38, chr2:120,986,455, plus strand): 5'-GGAGACCTGACGGCACTGGATGACACACCCCCAGGGGCCGACACCTCAGCCCTGGCTGCC[C>T]CCTCCGCTGGTGGCCTCCAGCTGCGCAAACACATGACCACCATGCACCGGTTCGAGCAGC-3'
Protein context (NP_001361282.1, residues 685-705): PGADTSALAA[Pro695Ser]SAGGLQLRKH